The following is an entry in ClinVar:

NM_130837.3(OPA1):c.1307C>A (p.Thr436Asn)

Gene: OPA1 (OPA1 mitochondrial dynamin like GTPase; plus strand). Cytogenetic location: 3q29.
Variant type: single nucleotide variant.
Coding change: c.1307C>A on transcript NM_130837.3 (MANE Select); coding-DNA position 1307, C replaced by A.
Protein change: p.Thr436Asn; replaces threonine 436 with asparagine.
Molecular consequence: missense variant.
Genome position (GRCh38, 1-based): chr3:193,643,374, C>A. VCF-style: chr3-193643374-C-A. GRCh37 (hg19) VCF-style: chr3-193361163-C-A.
Other names: c.773C>A, p.Thr258Asn (NM_001354663.2); c.770C>A, p.Thr257Asn (NM_001354664.2); c.1142C>A, p.Thr381Asn (NM_015560.3); c.1034C>A, p.Thr345Asn (NM_130831.3); c.1088C>A, p.Thr363Asn (NM_130832.3); c.1145C>A, p.Thr382Asn (NM_130833.3); c.1196C>A, p.Thr399Asn (NM_130834.3); c.1199C>A, p.Thr400Asn (NM_130835.3); and 1 more; short protein forms T381N, T400N, T418N, T258N, T345N, T382N, T399N, T436N.
Identifiers: ClinVar variation 1484322 (VCV001484322.7), dbSNP rs1174632014, ClinGen allele CA355789147.

ClinVar aggregate classification (germline): Uncertain significance (1 of 4 stars; one submission).

gnomAD v4.1: 4 of 1,605,724 alleles (0.00025%); highest among the groups gnomAD compares: Non-Finnish European, 0.00026%; no homozygotes.

Submission:

Labcorp Genetics (formerly Invitae), Labcorp
Classification: Uncertain significance. Last evaluated: 2025-11-25. Review status: criteria provided, single submitter. Criteria: Invitae Variant Classification Sherloc (09022015). Collection method: clinical testing. Allele origin: germline.
Comment: This sequence change replaces threonine, which is neutral and polar, with asparagine, which is neutral and polar, at codon 381 of the OPA1 protein (p.Thr381Asn). This variant is not present in population databases (gnomAD no frequency). This missense change has been observed in individual(s) with clinical features of OPA1-related conditions (PMID: 38927562). ClinVar contains an entry for this variant (Variation ID: 1484322). An algorithm developed to predict the effect of missense changes on protein structure and function (PolyPhen-2) suggests that this variant is likely to be disruptive. In summary, the available evidence is currently insufficient to determine the role of this variant in disease. Therefore, it has been classified as a Variant of Uncertain Significance.

Literature cited by the submitters: PubMed 38927562.